The following is an entry in ClinVar:

NM_000441.2(SLC26A4):c.1281TGC[1] (p.Ala429del)

Gene: SLC26A4 (solute carrier family 26 member 4; plus strand). Cytogenetic location: 7q22.3.
Variant type: Microsatellite.
Coding change: c.1281TGC[1] on transcript NM_000441.2 (MANE Select); one copy of the 3-base unit TGC starting at c.1281; the reference has two copies in a row; one copy, 3 bases deleted; also written c.1284_1286del.
Protein change: p.Ala429del; deletes alanine 429.
Molecular consequence: inframe deletion.
Genome position (GRCh38, 1-based): chr7:107,694,423-107,694,425, TGC deleted; deleting any 3 consecutive bases within chr7:107,694,419-107,694,425 gives the same sequence; the position shown is the placement nearest the transcript's 3' end. VCF-style (leftmost placement, unchanged base first): chr7-107694418-TCTG-T. GRCh37 (hg19) VCF-style: chr7-107334863-TCTG-T.
Other names: c.1284_1286delTGC (NM_000441.2); c.1284_1286del (NM_000441.1, NM_000441.2); short protein forms A429del.
Identifiers: ClinVar variation 43501 (VCV000043501.46), dbSNP rs111033306, ClinGen allele CA261406.

ClinVar aggregate classification (germline): Pathogenic/Likely pathogenic. Review status: criteria provided, multiple submitters, no conflicts (2 of 4 stars). 13 submissions from 12 submitters: Pathogenic (6); Likely pathogenic (6). 1 of the submissions does not count toward it. Last evaluated 2026-10-13.

Conditions:
Rare genetic deafness. Identifiers: Orphanet 96210, MedGen C5680250.
SLC26A4-related disorder. Also called: SLC26A4-related condition; SLC26A4-related disorders.
Autosomal recessive nonsyndromic hearing loss 4 (DFNB4). Also called: FOXI1-Related Pendred Syndrome; KCNJ10-Related Pendred Syndrome; DEAFNESS, AUTOSOMAL RECESSIVE 4, WITH ENLARGED VESTIBULAR AQUEDUCT, DIGENIC; Deafness, autosomal recessive 4; Nonsyndromic enlarged vestibular aqueduct (NSEVA); NEUROSENSORY NONSYNDROMIC RECESSIVE DEAFNESS 4. Identifiers: Orphanet 90636, MedGen C3538946, MONDO:0010933, OMIM 600791.
Pendred syndrome (PDS). Also called: Pendred's syndrome; DEAFNESS WITH GOITER; GOITER-DEAFNESS SYNDROME; HYPOTHYROIDISM, CONGENITAL, DUE TO DYSHORMONOGENESIS, 2B; THYROID DYSHORMONOGENESIS 2B; THYROID HORMONOGENESIS, GENETIC DEFECT IN, 2B. Identifiers: Orphanet 705, MedGen C0271829, MONDO:0010134, OMIM 274600.

Submissions (13):

GeneDx
Classification: Likely pathogenic. Last evaluated: 2026-10-13. Review status: criteria provided, single submitter. Criteria: GeneDx Variant Classification Process June 2021. Collection method: clinical testing. Allele origin: germline.
Comment: In-frame deletion of one amino acid in a non-repeat region; In silico analysis supports a deleterious effect on protein structure/function; This variant is associated with the following publications: (PMID: 14679580, 21704276, 26969326, 23555729, 9618167, 23336812, 20668687, 25394566, 21366435, 31589614, 33199029, 34515852)

Labcorp Genetics (formerly Invitae), Labcorp
Classification: Pathogenic. Last evaluated: 2025-11-19. Review status: criteria provided, single submitter. Criteria: Invitae Variant Classification Sherloc (09022015). Collection method: clinical testing. Allele origin: germline.
Comment: This variant, c.1284_1286del, results in the deletion of 1 amino acid(s) of the SLC26A4 protein (p.Ala429del), but otherwise preserves the integrity of the reading frame. This variant is present in population databases (rs775837019, gnomAD 0.01%). This variant has been observed in individual(s) with deafness and/or Pendred syndrome (PMID: 21366435, 23336812, 25394566, 26969326; internal data). In at least one individual the data is consistent with being in trans (on the opposite chromosome) from a pathogenic variant. ClinVar contains an entry for this variant (Variation ID: 43501). For these reasons, this variant has been classified as Pathogenic.

Natera, Inc.
Classification: Pathogenic for Pendred syndrome. Last evaluated: 2025-09-22. Review status: criteria provided, single submitter. Criteria: Natera Variant Classification Schema (03/2026). Collection method: clinical testing. Allele origin: germline.
Comment: The c.1284_1286delTGC variant in SLC26A4 is an in-frame deletion predicted to remove alanine at amino acid 429 while preserving the reading frame. This variant is rare in the general population with a frequency below the threshold expected for the associated phenotype(s). This variant has been observed in one or more individuals affected with the associated recessive disease, as either homozygous or compound heterozygous with a second variant (PMID: 23336812, 26969326, 25394566, 14679580, 21366435). Additionally, this variant has been observed to segregate in affected family members (PMID: 21366435). This variant results in a change to the protein length while preserving reading frame, which may disrupt normal protein structure or function. Computational prediction algorithms indicate this variant is likely to affect gene or protein function. Given the available evidence, this variant is classified as Pathogenic.

PreventionGenetics, part of Exact Sciences
Classification: Likely pathogenic for SLC26A4-related condition. Last evaluated: 2025-05-22. Review status: criteria provided, single submitter. Criteria: ACMG Guidelines, 2015. Collection method: clinical testing. Allele origin: germline.
Comment: The SLC26A4 c.1284_1286delTGC variant is predicted to result in an in-frame deletion (p.Ala429del). This variant has been reported in multiple individuals with autosomal recessive Pendred syndrome (Coyle et al 1998. PubMed ID: 9618167; Table S2, Dahl et al. 2013. PubMed ID: 23555729; Rendtorff et al. 2013. PubMed ID: 23336812; Table S3, Sloan-Heggen et al 2016. PubMed ID: 26969326; Table S1, Florentine et al. 2021. PubMed ID: 34515852). This variant is reported in 0.011% of alleles in individuals of European (Non-Finnish) descent in gnomAD. This variant is interpreted as likely pathogenic.

CeGaT Center for Human Genetics Tuebingen
Classification: Pathogenic. Last evaluated: 2024-11-01. Review status: criteria provided, single submitter. Criteria: CeGaT Center For Human Genetics Tuebingen Variant Classification Criteria Version 2. Collection method: clinical testing. Allele origin: germline. Affected: yes. Observed: 1 variant allele.
Comment: SLC26A4: PM3:Very Strong, PM2, PM4:Supporting

Fulgent Genetics
Classification: Likely pathogenic for Pendred syndrome; Autosomal recessive nonsyndromic hearing loss 4. Last evaluated: 2024-05-03. Review status: criteria provided, single submitter. Criteria: ACMG Guidelines, 2015. Collection method: clinical testing. Allele origin: germline.

Baylor Genetics
Classification: Likely pathogenic for Autosomal recessive nonsyndromic hearing loss 4. Last evaluated: 2024-03-27. Review status: criteria provided, single submitter. Criteria: ACMG Guidelines, 2015. Collection method: clinical testing. Allele origin: unknown.

Blueprint Genetics
Classification: Likely pathogenic for SLC26A4-related disorders. Last evaluated: 2023-12-05. Review status: criteria provided, single submitter. Criteria: ACMG Guidelines, 2015. Collection method: clinical testing. Allele origin: germline. Affected: yes. Observed: 4 variant alleles.

Women's Health and Genetics/Laboratory Corporation of America, LabCorp
Classification: Pathogenic for Pendred syndrome. Last evaluated: 2023-01-06. Review status: criteria provided, single submitter. Criteria: LabCorp Variant Classification Summary - May 2015. Collection method: clinical testing. Allele origin: germline.
Comment: Variant summary: SLC26A4 c.1284_1286delTGC (p.Ala429del) results in an in-frame deletion that is predicted to remove one amino acid from the encoded protein. The variant allele was found at a frequency of 6e-05 in 250844 control chromosomes. This frequency is not significantly higher than expected for a pathogenic variant in SLC26A4 causing Pendred Syndrome (6e-05 vs 0.0035), allowing no conclusion about variant significance. c.1284_1286delTGC has been reported in the literature in multiple compound heterozygous individuals affected with Pendred Syndrome (e.g., Mercer_2011, Sloan-Heggen_2016, Rendtorff_2013, Prasad_2004). These data indicate that the variant is very likely to be associated with disease. To our knowledge, no experimental evidence demonstrating an impact on protein function has been reported. Six ClinVar submitters (evaluation after 2014) have cited the variant, with three laboratories classify the variant as pathogenic and three classifying the variant as likely pathogenic. Based on the evidence outlined above, the variant was classified as pathogenic.

Victorian Clinical Genetics Services, Murdoch Childrens Research Institute
Classification: Pathogenic for Autosomal recessive nonsyndromic hearing loss 4. Last evaluated: 2022-02-02. Review status: criteria provided, single submitter. Criteria: ACMG Guidelines, 2015. Collection method: clinical testing. Allele origin: germline. Inheritance: Autosomal recessive inheritance. Affected: yes.
Comment: Based on the classification scheme VCGS_Germline_v1.3.4, this variant is classified as Pathogenic. Following criteria are met: 0102 - Loss of function is a known mechanism of disease in this gene and is associated with deafness with enlarged vestibular aqueduct (MIM#600791) and Pendred syndrome (MIM#274600). (I) 0106 - This gene is associated with autosomal recessive disease. (I) 0115 - Variants in this gene are known to have variable expressivity (GeneReviews) (I) 0216 - In-frame insertion/deletion in a non-repetitive region that has low conservation. (SP) 0251 - This variant is heterozygous. (I) 0304 - Variant is present in gnomAD v2 <0.01 for a recessive condition (16 heterozygotes, 0 homozygotes). (SP) 0309 - An alternative missense amino acid change at the same position has been observed in gnomAD (v2) (7 heterozygotes, 0 homozygotes). (I) 0600 - Variant is located in the annotated sulfate permease family domain (DECIPHER). (I) 0801 - This variant has strong previous evidence of pathogenicity in unrelated individuals. This variant has been observed in over ten unrelated individuals with SLC26A4-related conditions (ClinVar, PMIDs:14679580, 21704276, 23336812, 23555729, 2696326, 9618167). (SP) 1208 - Inheritance information for this variant is not currently available in this individual. (I) Legend: (SP) - Supporting pathogenic, (I) - Information, (SB) - Supporting benign

Laboratory for Molecular Medicine, Mass General Brigham Personalized Medicine
Classification: Pathogenic for Rare genetic deafness. Last evaluated: 2018-10-04. Review status: criteria provided, single submitter. Criteria: LMM Criteria. Collection method: clinical testing. Allele origin: germline. Inheritance: Autosomal recessive inheritance. Observed: 7 variant alleles.
Comment: The p.Ala429del variant in SLC26A4 has been reported in at least 10 individuals with hearing loss, most of who were also reported to have temporal bone abnormal ities and/or Pendred syndrome (Coyle 1998, Prasad 2004, Dahl 2013, Rendtorff 201 3, Sloan-Heggen 2016, LMM data). At least 6 of these individuals were compound h eterozygous for additional pathogenic variants in SLC26A4 (Dahl 2013, Rentorff 2 013, Sloan-Heggen 2016, LMM data). This variant has also been identified in 0.01 % (14/126202) of European chromosomes by gnomAD (g); however, its frequency is low enough to be consistent with a recessive carri er frequency. This variant is a deletion of 1 amino acid at position 429 and is not predicted to alter the protein reading frame. In summary, this variant meets our criteria to be classified as pathogenic for hearing loss with EVA and/or Pe ndred syndrome in an autosomal recessive manner based on its occurrence with pat hogenic SLC26A4 variants in several compound heterozygous affected individuals. ACMG/AMP Criteria applied: PM3_Very Strong, PM2_Supporting, PM4_Supporting.

Baylor Genetics
Classification: Likely pathogenic for Pendred syndrome. Review status: criteria provided, single submitter. Criteria: ACMG Guidelines, 2015. Collection method: clinical testing. Allele origin: germline.

Counsyl
Classification: Likely pathogenic for Pendred's syndrome. Last evaluated: 2014-04-01. Review status: no assertion criteria provided. Collection method: literature only. Allele origin: unknown. Inheritance: Autosomal recessive inheritance. Not counted in ClinVar's aggregate classification.

Literature cited by the submitters: PubMed 21366435 (cited by 3 submitters); PubMed 23336812 (cited by 6 submitters); PubMed 25394566 (cited by Labcorp Genetics (formerly Invitae), Labcorp and Natera, Inc.); PubMed 26969326 (cited by 4 submitters); PubMed 14679580 (cited by 5 submitters); PubMed 23555729 (cited by 4 submitters); PubMed 9618167 (cited by 4 submitters); PubMed 2696326 (cited by Victorian Clinical Genetics Services, Murdoch Childrens Research Institute); PubMed 21704276 (cited by 3 submitters); PubMed 20668687 (cited by Laboratory for Molecular Medicine, Mass General Brigham Personalized Medicine and Counsyl).